The following is an entry in ClinVar:

NM_004329.3(BMPR1A):c.440T>C (p.Phe147Ser)

Gene: BMPR1A (bone morphogenetic protein receptor type 1A; plus strand). Cytogenetic location: 10q23.2.
Variant type: single nucleotide variant.
Coding change: c.440T>C on transcript NM_004329.3 (MANE Select); coding-DNA position 440, T replaced by C.
Protein change: p.Phe147Ser; replaces phenylalanine 147 with serine.
Molecular consequence: missense variant.
Genome position (GRCh38, 1-based): chr10:86,900,036, T>C. VCF-style: chr10-86900036-T-C. GRCh37 (hg19) VCF-style: chr10-88659793-T-C.
Other names: short protein forms F147S.
Identifiers: ClinVar variation 482858 (VCV000482858.18), dbSNP rs371243894, ClinGen allele CA5585525.

ClinVar aggregate classification (germline): Uncertain significance. Review status: criteria provided, multiple submitters, no conflicts (2 of 4 stars). 3 submissions from 3 submitters: Uncertain significance (3). Last evaluated 2026-01-27.

Conditions:
Hereditary cancer-predisposing syndrome. Also called: Hereditary neoplastic syndrome; Neoplastic Syndromes, Hereditary; Tumor predisposition; Hereditary Cancer Syndrome. Identifiers: Orphanet 140162, MedGen C0027672, MeSH D009386, MONDO:0015356.
Juvenile polyposis syndrome (JPS). Identifiers: Orphanet 2929, MedGen C0345893, MONDO:0017380, OMIM 174900.

Allele frequency attached by ClinVar (database versions not stated): gnomAD exomes below 0.00001; TOPMed below 0.00001; ExAC 0.00001; ESP Exome Variant Server 0.00008.
gnomAD v4.1: 1 of 1,614,224 alleles (0.000062%); highest among the groups gnomAD compares: Non-Finnish European, 0.000085%; no homozygotes.

Submissions (3):

Labcorp Genetics (formerly Invitae), Labcorp
Classification: Uncertain significance for Juvenile polyposis syndrome. Last evaluated: 2026-01-27. Review status: criteria provided, single submitter. Criteria: Invitae Variant Classification Sherloc (09022015). Collection method: clinical testing. Allele origin: germline.
Comment: This sequence change replaces phenylalanine, which is neutral and non-polar, with serine, which is neutral and polar, at codon 147 of the BMPR1A protein (p.Phe147Ser). This variant is present in population databases (rs371243894, gnomAD 0.0009%). This variant has not been reported in the literature in individuals affected with BMPR1A-related conditions. ClinVar contains an entry for this variant (Variation ID: 482858). Invitae Evidence Modeling of protein sequence and biophysical properties (such as structural, functional, and spatial information, amino acid conservation, physicochemical variation, residue mobility, and thermodynamic stability) has been performed for this missense variant. However, the output from this modeling did not meet the statistical confidence thresholds required to predict the impact of this variant on BMPR1A protein function. In summary, the available evidence is currently insufficient to determine the role of this variant in disease. Therefore, it has been classified as a Variant of Uncertain Significance.

Ambry Genetics
Classification: Uncertain significance for Hereditary cancer-predisposing syndrome. Last evaluated: 2025-03-05. Review status: criteria provided, single submitter. Criteria: Ambry Variant Classification Scheme 2023. Collection method: clinical testing. Allele origin: germline.
Comment: The p.F147S variant (also known as c.440T>C), located in coding exon 5 of the BMPR1A gene, results from a T to C substitution at nucleotide position 440. The phenylalanine at codon 147 is replaced by serine, an amino acid with highly dissimilar properties. This amino acid position is well conserved in available vertebrate species. In addition, the in silico prediction for this alteration is inconclusive. Based on the available evidence, the clinical significance of this variant remains unclear.

Color Diagnostics, LLC DBA Color Health
Classification: Uncertain significance for Hereditary cancer-predisposing syndrome. Last evaluated: 2019-12-06. Review status: criteria provided, single submitter. Criteria: ACMG Guidelines, 2015. Collection method: clinical testing. Allele origin: germline.
Comment: This missense variant replaces phenylalanine with serine at codon 147 of the BMPR1A protein. Computational prediction suggests that this variant may not impact protein structure and function (internally defined REVEL score threshold <= 0.5, PMID: 27666373). Splice site prediction tools suggest that this variant may not impact RNA splicing. To our knowledge, functional studies have not been performed for this variant. This variant has not been reported in individuals affected with hereditary cancer in the literature. This variant has been identified in 1/246166 chromosomes in the general population by the Genome Aggregation Database (gnomAD). The available evidence is insufficient to determine the role of this variant in disease conclusively. Therefore, this variant is classified as a Variant of Uncertain Significance.